The following is an entry in ClinVar:

NM_001277115.2(DNAH11):c.534G>A (p.Lys178=)

Gene: DNAH11 (dynein axonemal heavy chain 11; plus strand). Cytogenetic location: 7p15.3.
Variant type: single nucleotide variant.
Coding change: c.534G>A on transcript NM_001277115.2 (MANE Select); coding-DNA position 534, G replaced by A.
Protein change: p.Lys178=; no amino-acid change (lysine 178 retained).
Molecular consequence: synonymous variant.
Genome position (GRCh38, 1-based): chr7:21,558,840, G>A. VCF-style: chr7-21558840-G-A. GRCh37 (hg19) VCF-style: chr7-21598458-G-A.
Other names: c.534G>A (NM_001277115.1); c.534G>A, p.Lys178= (NM_003777.3).
Identifiers: ClinVar variation 3020059 (VCV003020059.4), dbSNP rs780824176, ClinGen allele CA4178707.

ClinVar aggregate classification (germline): Benign. Review status: criteria provided, single submitter (1 of 4 stars). 2 submissions from 2 submitters: Benign (1). 1 of the submissions does not count toward it. Last evaluated 2024-03-13.

Conditions:
DNAH11-related disorder. Also called: DNAH11-related condition.
Primary ciliary dyskinesia. Also called: Ciliary dyskinesia. Identifiers: Orphanet 244, MedGen C0008780, MONDO:0016575, HP:0012265.

Allele frequency attached by ClinVar (database versions not stated): gnomAD exomes below 0.00001; ExAC 0.00001; gnomAD 0.00003; TOPMed 0.00003.
gnomAD v4.1: 10 of 1,607,050 alleles (0.00062%); highest among the groups gnomAD compares: African/African-American, 0.013%; no homozygotes.

Submissions (2):

Labcorp Genetics (formerly Invitae), Labcorp
Classification: Benign for Primary ciliary dyskinesia. Last evaluated: 2024-03-13. Review status: criteria provided, single submitter. Criteria: Invitae Variant Classification Sherloc (09022015). Collection method: clinical testing. Allele origin: germline.

PreventionGenetics, part of Exact Sciences
Classification: Likely benign for DNAH11-related condition. Last evaluated: 2024-07-17. Review status: no assertion criteria provided. Collection method: clinical testing. Allele origin: germline. Not counted in ClinVar's aggregate classification.
Comment: This variant is classified as likely benign based on ACMG/AMP sequence variant interpretation guidelines (Richards et al. 2015 PMID: 25741868, with internal and published modifications).